The following is an entry in ClinVar:

NM_000264.5(PTCH1):c.4184G>A (p.Gly1395Glu)

Gene: PTCH1 (patched 1; minus strand). Cytogenetic location: 9q22.32.
Variant type: single nucleotide variant.
Coding change: c.4184G>A on transcript NM_000264.5 (MANE Select); coding-DNA position 4184, G replaced by A.
Protein change: p.Gly1395Glu; replaces glycine 1395 with glutamic acid.
Molecular consequence: missense variant. On other transcripts: non-coding transcript variant (1).
Genome position (GRCh38, 1-based): chr9:95,447,072, C>T on the plus strand (G>A on the coding strand, the complement: PTCH1 is on the minus strand). VCF-style: chr9-95447072-C-T. GRCh37 (hg19) VCF-style: chr9-98209354-C-T.
Other names: c.3986G>A, p.Gly1329Glu (NM_001083602.3); c.4181G>A, p.Gly1394Glu (NM_001083603.3); c.3731G>A, p.Gly1244Glu (NM_001083604.3, NM_001083605.3, NM_001083606.3 and 1 more transcripts); c.4028G>A, p.Gly1343Glu (NM_001354918.2); short protein forms G1244E, G1329E, G1394E, G1395E, G1343E.
Identifiers: ClinVar variation 1738523 (VCV001738523.6), dbSNP rs1212282721, ClinGen allele CA374110165.

ClinVar aggregate classification (germline): Uncertain significance. Review status: criteria provided, multiple submitters, no conflicts (2 of 4 stars). 2 submissions from 2 submitters: Uncertain significance (2). Last evaluated 2025-04-08.

Conditions:
Hereditary cancer-predisposing syndrome. Also called: Neoplastic Syndromes, Hereditary; Tumor predisposition; Hereditary Cancer Syndrome; Hereditary neoplastic syndrome. Identifiers: Orphanet 140162, MedGen C0027672, MeSH D009386, MONDO:0015356.
Gorlin syndrome. Also called: Nevoid Basal Cell Carcinoma Syndrome; Basal cell nevus syndrome. Identifiers: Orphanet 377, MedGen C0004779, MONDO:0007187.

Submissions (2):

Labcorp Genetics (formerly Invitae), Labcorp
Classification: Uncertain significance for Gorlin syndrome. Last evaluated: 2025-04-08. Review status: criteria provided, single submitter. Criteria: Invitae Variant Classification Sherloc (09022015). Collection method: clinical testing. Allele origin: germline.
Comment: This sequence change replaces glycine, which is neutral and non-polar, with glutamic acid, which is acidic and polar, at codon 1395 of the PTCH1 protein (p.Gly1395Glu). This variant is not present in population databases (gnomAD no frequency). This variant has not been reported in the literature in individuals affected with PTCH1-related conditions. ClinVar contains an entry for this variant (Variation ID: 1738523). Invitae Evidence Modeling of protein sequence and biophysical properties (such as structural, functional, and spatial information, amino acid conservation, physicochemical variation, residue mobility, and thermodynamic stability) indicates that this missense variant is not expected to disrupt PTCH1 protein function with a negative predictive value of 95%. In summary, the available evidence is currently insufficient to determine the role of this variant in disease. Therefore, it has been classified as a Variant of Uncertain Significance.

Ambry Genetics
Classification: Uncertain significance for Hereditary cancer-predisposing syndrome. Last evaluated: 2025-03-13. Review status: criteria provided, single submitter. Criteria: Ambry Variant Classification Scheme 2023. Collection method: clinical testing. Allele origin: germline.
Comment: The p.G1395E variant (also known as c.4184G>A), located in coding exon 23 of the PTCH1 gene, results from a G to A substitution at nucleotide position 4184. The glycine at codon 1395 is replaced by glutamic acid, an amino acid with similar properties. This amino acid position is well conserved in available vertebrate species. In addition, the in silico prediction for this alteration is inconclusive. Based on the available evidence, the clinical significance of this variant remains unclear.